The following is an entry in ClinVar:

NM_000368.5(TSC1):c.377T>C (p.Val126Ala)

Gene: TSC1 (TSC complex subunit 1; minus strand). Cytogenetic location: 9q34.13.
Variant type: single nucleotide variant.
Coding change: c.377T>C on transcript NM_000368.5 (MANE Select); coding-DNA position 377, T replaced by C.
Protein change: p.Val126Ala; replaces valine 126 with alanine.
Molecular consequence: missense variant. On other transcripts: 5 prime UTR variant (5), non-coding transcript variant (5).
Genome position (GRCh38, 1-based): chr9:132,923,479, A>G on the plus strand (T>C on the coding strand, the complement: TSC1 is on the minus strand). VCF-style: chr9-132923479-A-G. GRCh37 (hg19) VCF-style: chr9-135798866-A-G.
Other names: c.377T>C, p.Val126Ala (NM_001162426.2, NM_001406592.1, NM_001406593.1 and 16 more transcripts); c.224T>C, p.Val75Ala (NM_001162427.2, NM_001406610.1, NM_001406611.1 and 2 more transcripts); c.14T>C, p.Val5Ala (NM_001362177.2, NM_001406614.1, NM_001406615.1 and 10 more transcripts); c.-501T>C (NM_001406626.1, NM_001406627.1, NM_001406628.1); c.-643T>C (NM_001406629.1); c.-717T>C (NM_001406630.1); short protein forms V126A, V5A, V75A.
Identifiers: ClinVar variation 2447886 (VCV002447886.4), dbSNP rs1243659943, ClinGen allele CA375373709.
Genomic context (GRCh38, chr9:132,923,479, plus strand): 5'-GACTGTGGAATCATTGGTAGCATGGTTATCAACACCAAGACGCCTGTTGTGAGGACAACG[A>G]CGTCAGTGTCCATCTGCAGGAGAAAAGGTCAAACAGGAAACGTCTGTCAGGCACTGGCAC-3'
Protein context (NP_000359.1, residues 116-136): LLKCLKMDTD[Val126Ala]VVLTTGVLVL

ClinVar aggregate classification (germline): Uncertain significance. Review status: criteria provided, multiple submitters, no conflicts (2 of 4 stars). 2 submissions from 2 submitters: Uncertain significance (2). Last evaluated 2025-11-27.

Conditions:
Hereditary cancer-predisposing syndrome. Also called: Neoplastic Syndromes, Hereditary; Hereditary Cancer Syndrome; Tumor predisposition; Hereditary neoplastic syndrome. Identifiers: Orphanet 140162, MedGen C0027672, MeSH D009386, MONDO:0015356.

Allele frequency attached by ClinVar (database versions not stated): gnomAD exomes below 0.00001.
gnomAD v4.1: 1 of 1,614,142 alleles (0.000062%); highest among the groups gnomAD compares: Admixed American, 0.0017%; no homozygotes.

Submissions (2):

Ambry Genetics
Classification: Uncertain significance for Hereditary cancer-predisposing syndrome. Last evaluated: 2025-11-27. Review status: criteria provided, single submitter. Criteria: Ambry Variant Classification Scheme 2023. Collection method: clinical testing. Allele origin: germline.
Comment: The p.V126A variant (also known as c.377T>C), located in coding exon 4 of the TSC1 gene, results from a T to C substitution at nucleotide position 377. The valine at codon 126 is replaced by alanine, an amino acid with similar properties. This amino acid position is highly conserved in available vertebrate species. In addition, the in silico prediction for this alteration is inconclusive. Since supporting evidence is limited at this time, the clinical significance of this alteration remains unclear.

GeneDx
Classification: Uncertain significance. Last evaluated: 2024-05-29. Review status: criteria provided, single submitter. Criteria: GeneDx Variant Classification Process June 2021. Collection method: clinical testing. Allele origin: germline. Affected: yes.
Comment: In silico analysis supports that this missense variant has a deleterious effect on protein structure/function; Has not been previously published as pathogenic or benign to our knowledge